The following is an entry in ClinVar:

ClinVar aggregate classification (germline): Pathogenic (1 of 4 stars; one submission).

Conditions:
Wolman disease (WOLD). Also called: Wolman disease with hypolipoproteinemia and acanthocytosis; Acid cholesteryl ester hydrolase deficiency, Wolman type; Acid lipase disease; LYSOSOMAL ACID LIPASE DEFICIENCY, ACUTE INFANTILE; LYSOSOMAL ACID LIPASE DEFICIENCY, COMPLETE; LIPA DEFICIENCY, COMPLETE. Identifiers: Orphanet 75233, MedGen C0043208, MONDO:0019148, OMIM 620151.

Allele frequency attached by ClinVar (database versions not stated): gnomAD exomes below 0.00001.

Submission:

Labcorp Genetics (formerly Invitae), Labcorp
Classification: Pathogenic for Wolman disease. Last evaluated: 2023-02-10. Review status: criteria provided, single submitter. Criteria: Invitae Variant Classification Sherloc (09022015). Collection method: clinical testing. Allele origin: germline.
Comment: This sequence change creates a premature translational stop signal (p.Cys257*) in the LIPA gene. It is expected to result in an absent or disrupted protein product. Loss-of-function variants in LIPA are known to be pathogenic (PMID: 23485521). This variant is not present in population databases (gnomAD no frequency). This variant has not been reported in the literature in individuals affected with LIPA-related conditions. ClinVar contains an entry for this variant (Variation ID: 1383305). For these reasons, this variant has been classified as Pathogenic.

Literature cited by the submitters: PubMed 23485521.

NM_000235.4(LIPA):c.771_774del (p.Leu256_Cys257insTer)

Gene: LIPA (lipase A, lysosomal acid type; minus strand). Cytogenetic location: 10q23.31.
Variant type: Deletion.
Coding change: c.771_774del on transcript NM_000235.4 (MANE Select); coding-DNA positions 771 to 774, 4 bases deleted (TGGA; older notation c.771_774delTGGA).
Protein change: p.Leu256_Cys257insTer.
Molecular consequence: nonsense.
Genome position (GRCh38, 1-based): chr10:89,223,732-89,223,735, TCCA deleted on the plus strand (TGGA on the coding strand, the reverse complement: LIPA is on the minus strand). VCF-style (leftmost placement, unchanged base first): chr10-89223731-TTCCA-T. GRCh37 (hg19) VCF-style: chr10-90983488-TTCCA-T.
Other names: c.771_774del, p.Leu256_Cys257insTer (NM_001127605.3); c.423_426del, p.Leu140_Cys141insTer (NM_001288979.2).
Identifiers: ClinVar variation 1383305 (VCV001383305.6), dbSNP rs2133427073, ClinGen allele CA2573145915.